The following is an entry in ClinVar:

NM_002447.4(MST1R):c.3129T>C (p.Ser1043=)

Gene: MST1R (macrophage stimulating 1 receptor; minus strand). Cytogenetic location: 3p21.31.
Variant type: single nucleotide variant.
Coding change: c.3129T>C on transcript NM_002447.4 (MANE Select); coding-DNA position 3129, T replaced by C.
Protein change: p.Ser1043=; no amino-acid change (serine 1043 retained).
Molecular consequence: synonymous variant. On other transcripts: non-coding transcript variant (1).
Genome position (GRCh38, 1-based): chr3:49,895,309, A>G on the plus strand (T>C on the coding strand, the complement: MST1R is on the minus strand). VCF-style: chr3-49895309-A-G. GRCh37 (hg19) VCF-style: chr3-49932742-A-G.
Other names: c.2982T>C, p.Ser994= (NM_001244937.3); c.2811T>C, p.Ser937= (NM_001318913.2).
Identifiers: ClinVar variation 2653848 (VCV002653848.24), dbSNP rs2545148425, ClinGen allele CA433855427.
Genomic context (GRCh38, chr3:49,895,309, plus strand): 5'-GTCCAGGTCCCTTAGCTGGATGGACTCTTTCCGCAGCAGTGGCACACAGGATTCATCTTC[A>G]CTATCGGAGAAGGATGCTCCATGGACACAAGTGGTGGAATCCAGACCATCAATGGCAGGG-3'
Protein context (NP_002438.2, residues 1033-1053): TCVHGASFSD[Ser1043=]EDESCVPLLR

ClinVar aggregate classification (germline): Likely benign (1 of 4 stars; one submission).

Submission:

CeGaT Center for Human Genetics Tuebingen
Classification: Likely benign. Last evaluated: 2023-02-01. Review status: criteria provided, single submitter. Criteria: CeGaT Center For Human Genetics Tuebingen Variant Classification Criteria Version 2. Collection method: clinical testing. Allele origin: germline. Affected: yes. Observed: 1 variant allele.
Comment: MST1R: PM2:Supporting, BP4, BP7